The following is an entry in ClinVar:

ClinVar aggregate classification (germline): Pathogenic. Review status: reviewed by expert panel (3 of 4 stars). 2 submissions from 2 submitters: Pathogenic (1). 1 of the submissions does not count toward it. Last evaluated 2017-12-15.

Conditions:
Breast-ovarian cancer, familial, susceptibility to, 2 (BROVCA2). Also called: BRCA2 Hereditary Breast and Ovarian Cancer. Identifiers: Orphanet 145, MedGen C2675520, MONDO:0012933, OMIM 612555. Disease mechanism: loss of function.
Hereditary breast ovarian cancer syndrome. Also called: BRCA1- and BRCA2-Associated Hereditary Breast and Ovarian Cancer; Hereditary breast and/or ovarian cancer syndrome; Hereditary breast and ovarian cancer; Hereditary breast and ovarian cancer syndrome; Hereditary breast and ovarian cancer syndrome (HBOC); Breast and ovarian cancer. Identifiers: Orphanet 145, MedGen C0677776, MeSH D061325, MONDO:0003582. Disease mechanism: loss of function.

Submissions (2):

Evidence-based Network for the Interpretation of Germline Mutant Alleles (ENIGMA)
Classification: Pathogenic for Breast-ovarian cancer, familial, susceptibility to, 2. Last evaluated: 2017-12-15. Review status: reviewed by expert panel. Criteria: ENIGMA BRCA1/2 Classification Criteria (2017-06-29). Collection method: curation. Allele origin: germline. Study: ENIGMA.
Comment: Variant allele predicted to encode a truncated non-functional protein.

Department of Pathology and Laboratory Medicine, Sinai Health System
Classification: Pathogenic for Hereditary breast ovarian cancer syndrome. Review status: criteria provided, single submitter. Criteria: ACMG Guidelines, 2015. Collection method: clinical testing. Allele origin: germline. Affected: yes. Study: The Canadian Open Genetics Repository (COGR). Not counted in ClinVar's aggregate classification.

NM_000059.4(BRCA2):c.745_757del (p.Ser249fs)

Gene: BRCA2 (BRCA2 DNA repair associated; plus strand). Cytogenetic location: 13q13.1.
Variant type: Deletion.
Coding change: c.745_757del on transcript NM_000059.4 (MANE Select); coding-DNA positions 745 to 757, 13 bases deleted (TCTGTGACAGACA).
Protein change: p.Ser249fs; shifts the reading frame from serine 249.
Molecular consequence: frameshift variant.
Genome position (GRCh38, 1-based): chr13:32,330,982-32,330,994, TCTGTGACAGACA deleted. VCF-style (leftmost placement, unchanged base first): chr13-32330981-TTCTGTGACAGACA-T. GRCh37 (hg19) VCF-style: chr13-32905118-TTCTGTGACAGACA-T.
Other names: c.745_757delTCTGTGACAGACA (NM_000059.3).
Identifiers: ClinVar variation 433756 (VCV000433756.1), dbSNP rs1555281467, ClinGen allele CA645372986.